The following is an entry in ClinVar:

NM_000875.5(IGF1R):c.853A>G (p.Ile285Val)

Gene: IGF1R (insulin like growth factor 1 receptor; plus strand). Cytogenetic location: 15q26.3.
Variant type: single nucleotide variant.
Coding change: c.853A>G on transcript NM_000875.5 (MANE Select); coding-DNA position 853, A replaced by G.
Protein change: p.Ile285Val; replaces isoleucine 285 with valine.
Molecular consequence: missense variant.
Genome position (GRCh38, 1-based): chr15:98,891,537, A>G. VCF-style: chr15-98891537-A-G. GRCh37 (hg19) VCF-style: chr15-99434766-A-G.
Other names: c.853A>G, p.Ile285Val (NM_001291858.2); short protein forms I285V.
Identifiers: ClinVar variation 4883068 (VCV004883068.2).
Genomic context (GRCh38, chr15:98,891,537, plus strand): 5'-CCGCCCAACACCTACAGGTTTGAGGGCTGGCGCTGTGTGGACCGTGACTTCTGCGCCAAC[A>G]TCCTCAGCGCCGAGAGCAGCGACTCCGAGGGGTTTGTGATCCACGACGGCGAGTGCATGC-3'
Protein context (NP_000866.1, residues 275-295): RCVDRDFCAN[Ile285Val]LSAESSDSEG

ClinVar aggregate classification (germline): Uncertain significance (1 of 4 stars; one submission).

Conditions:
Growth delay due to insulin-like growth factor I resistance. Also called: Somatomedin end-organ insensitivity to; Somatomedin-c resistance to; IGF-1 resistance; IGF-I RESISTANCE; Insulin-Like Growth Factor I Resistance. Identifiers: Orphanet 73273, MedGen C1849157, MONDO:0010038, OMIM 270450.

Submission:

Dasa
Classification: Uncertain significance for Growth delay due to insulin-like growth factor I resistance. Last evaluated: 2025-07-08. Review status: criteria provided, single submitter. Criteria: DASA Assertion Criteria. Collection method: clinical testing. Allele origin: germline.
Comment: NM_000875.5(IGF1R):c.853A>G (p.Ile285Val) is a missense variant that results in the substitution of isoleucine with valine. This variant is absent from population databases. Computational prediction algorithms are consistent with a benign effect. The currently available literature and clinical evidence are not sufficient to establish a definitive association between this variant and the reported condition. Therefore, this variant is classified as a variant of uncertain significance.